The following is an entry in ClinVar:

NM_001356.5(DDX3X):c.1025+4T>G

Gene: DDX3X (DEAD-box helicase 3 X-linked; plus strand). Cytogenetic location: Xp11.4.
Variant type: single nucleotide variant.
Coding change: c.1025+4T>G on transcript NM_001356.5 (MANE Select); 4 bases into the intron after coding-DNA position 1025, T replaced by G.
Molecular consequence: intron variant.
Genome position (GRCh38, 1-based): chrX:41,344,403, T>G. VCF-style: chrX-41344403-T-G. GRCh37 (hg19) VCF-style: chrX-41203656-T-G.
Other names: c.1025+4T>G (NM_001193416.3); c.977+4T>G (NM_001193417.3); c.467+4T>G (NM_001363819.1).
Identifiers: ClinVar variation 2861304 (VCV002861304.3), dbSNP rs2519515533, ClinGen allele CA2693487286.

ClinVar aggregate classification (germline): Uncertain significance (1 of 4 stars; one submission).

Submission:

Labcorp Genetics (formerly Invitae), Labcorp
Classification: Uncertain significance. Last evaluated: 2023-05-01. Review status: criteria provided, single submitter. Criteria: Invitae Variant Classification Sherloc (09022015). Collection method: clinical testing. Allele origin: germline.
Comment: In summary, the available evidence is currently insufficient to determine the role of this variant in disease. Therefore, it has been classified as a Variant of Uncertain Significance. Variants that disrupt the consensus splice site are a relatively common cause of aberrant splicing (PMID: 17576681, 9536098). Algorithms developed to predict the effect of sequence changes on RNA splicing suggest that this variant is not likely to affect RNA splicing. This variant has not been reported in the literature in individuals affected with DDX3X-related conditions. This variant is not present in population databases (gnomAD no frequency). This sequence change falls in intron 10 of the DDX3X gene. It does not directly change the encoded amino acid sequence of the DDX3X protein. It affects a nucleotide within the consensus splice site.

Literature cited by the submitters: PubMed 17576681; PubMed 9536098.